The following is an entry in ClinVar:

ClinVar aggregate classification (germline): Uncertain significance. Review status: criteria provided, multiple submitters, no conflicts (2 of 4 stars). 3 submissions from 3 submitters: Uncertain significance (3). Last evaluated 2025-07-02.

Conditions:
Inborn genetic diseases. Identifiers: MedGen C0950123, MeSH D030342.

Allele frequency attached by ClinVar (database versions not stated): 1000 Genomes Project 30x 0.00016; 1000 Genomes Project 0.00020.
gnomAD v4.1: 12 of 1,614,016 alleles (0.00074%); highest among the groups gnomAD compares: East Asian, 0.0089%; no homozygotes.

Submissions (3):

Ambry Genetics
Classification: Uncertain significance for Inborn genetic diseases. Last evaluated: 2025-07-02. Review status: criteria provided, single submitter. Criteria: Ambry Variant Classification Scheme 2023. Collection method: clinical testing. Allele origin: germline.

Labcorp Genetics (formerly Invitae), Labcorp
Classification: Uncertain significance. Last evaluated: 2024-02-24. Review status: criteria provided, single submitter. Criteria: Invitae Variant Classification Sherloc (09022015). Collection method: clinical testing. Allele origin: germline.
Comment: This sequence change replaces valine, which is neutral and non-polar, with methionine, which is neutral and non-polar, at codon 1393 of the KIAA1549 protein (p.Val1393Met). This variant is present in population databases (rs563679165, gnomAD 0.01%). This variant has not been reported in the literature in individuals affected with KIAA1549-related conditions. ClinVar contains an entry for this variant (Variation ID: 1502741). An algorithm developed to predict the effect of missense changes on protein structure and function (PolyPhen-2) suggests that this variant is likely to be disruptive. In summary, the available evidence is currently insufficient to determine the role of this variant in disease. Therefore, it has been classified as a Variant of Uncertain Significance.

Blueprint Genetics
Classification: Uncertain significance. Last evaluated: 2022-11-03. Review status: criteria provided, single submitter. Criteria: ACMG Guidelines, 2015. Collection method: clinical testing. Allele origin: germline.

NM_001164665.2(KIAA1549):c.4177G>A (p.Val1393Met)

Gene: KIAA1549 (KIAA1549; minus strand). Cytogenetic location: 7q34.
Variant type: single nucleotide variant.
Coding change: c.4177G>A on transcript NM_001164665.2 (MANE Select); coding-DNA position 4177, G replaced by A.
Protein change: p.Val1393Met; replaces valine 1393 with methionine.
Molecular consequence: missense variant.
Genome position (GRCh38, 1-based): chr7:138,881,440, C>T on the plus strand (G>A on the coding strand, the complement: KIAA1549 is on the minus strand). VCF-style: chr7-138881440-C-T. GRCh37 (hg19) VCF-style: chr7-138566186-C-T.
Other names: c.4177G>A (NM_001164665.1); c.4177G>A, p.Val1393Met (NM_020910.3); short protein forms V1393M.
Identifiers: ClinVar variation 1502741 (VCV001502741.8), dbSNP rs563679165, ClinGen allele CA4505985.